The following continues an entry in ClinVar:

NM_004004.6(GJB2):c.380G>A (p.Arg127His)

Gene: GJB2. ClinVar aggregate classification (germline): Benign/Likely benign. Benign (11); Likely benign (2).

Submissions 16 to 18 of 18:

Genome Diagnostics Laboratory, Amsterdam University Medical Center
Classification: Benign. Review status: no assertion criteria provided. Collection method: clinical testing. Allele origin: germline. Affected: yes. Study: VKGL Data-share Consensus. Not counted in ClinVar's aggregate classification.

Joint Genome Diagnostic Labs from Nijmegen and Maastricht, Radboudumc and MUMC+
Classification: Likely benign. Review status: no assertion criteria provided. Collection method: clinical testing. Allele origin: germline. Affected: yes. Study: VKGL Data-share Consensus. Not counted in ClinVar's aggregate classification.

Centre for Mendelian Genomics, University Medical Centre Ljubljana
Classification: Uncertain significance for Progressive sensorineural hearing impairment. Last evaluated: 2017-01-01. Review status: flagged submission. Criteria: ACMG Guidelines, 2015. Collection method: clinical testing. Allele origin: unknown. Affected: yes. Not counted in ClinVar's aggregate classification.
ClinVar note: Reason: Outlier claim with insufficient supporting evidence

Literature cited by the submitters: PubMed 12176036 (cited by 3 submitters); PubMed 12189493 (cited by 3 submitters); PubMed 12562518 (cited by 3 submitters); PubMed 15113126 (cited by Athena Diagnostics and Women's Health and Genetics/Laboratory Corporation of America, LabCorp); PubMed 15146474 (cited by 3 submitters); PubMed 15617550 (cited by Athena Diagnostics); PubMed 16840571 (cited by 3 submitters); PubMed 18776652 (cited by Athena Diagnostics); PubMed 19929408 (cited by 3 submitters); PubMed 20086291 (cited by Athena Diagnostics); PubMed 22613756 (cited by 3 submitters); PubMed 9482292 (cited by Athena Diagnostics and Laboratory for Molecular Medicine, Mass General Brigham Personalized Medicine); PubMed 19125024 (cited by Athena Diagnostics); PubMed 22567369 (cited by Athena Diagnostics); PubMed 26059209 (cited by Athena Diagnostics); PubMed 26178431 (cited by Athena Diagnostics); PubMed 26778469 (cited by Athena Diagnostics); PubMed 17671735 (cited by Athena Diagnostics); PubMed 14643477 (cited by Athena Diagnostics); PubMed 25262649 (cited by Athena Diagnostics); PubMed 24158896 (cited by Athena Diagnostics); PubMed 22567861 (cited by Athena Diagnostics); PubMed 14722929 (cited by Athena Diagnostics); PubMed 18941476 (cited by Athena Diagnostics); PubMed 15666300 (cited by Athena Diagnostics); PubMed 10874298 (cited by Athena Diagnostics); PubMed 12791041 (cited by Athena Diagnostics); PubMed 16300957 (cited by 3 submitters); PubMed 20668687 (cited by 3 submitters); PubMed 24158611 (cited by Athena Diagnostics); PubMed 22995991 (cited by Athena Diagnostics); PubMed 15757815 (cited by Athena Diagnostics); PubMed 19043807 (cited by Athena Diagnostics); PubMed 15070423 (cited by 3 submitters); PubMed 12746422 (cited by 4 submitters); PubMed 20086306 (cited by Athena Diagnostics); PubMed 19366456 (cited by Athena Diagnostics and Women's Health and Genetics/Laboratory Corporation of America, LabCorp); PubMed 16532460 (cited by Athena Diagnostics); PubMed 16849369 (cited by Athena Diagnostics); PubMed 11493200 (cited by 4 submitters); PubMed 22037723 (cited by Athena Diagnostics and Laboratory for Molecular Medicine, Mass General Brigham Personalized Medicine); PubMed 22704424 (cited by Athena Diagnostics); PubMed 10982180 (cited by Athena Diagnostics); PubMed 27884173 (cited by Athena Diagnostics and Women's Health and Genetics/Laboratory Corporation of America, LabCorp); PubMed 26749107 (cited by Athena Diagnostics and Women's Health and Genetics/Laboratory Corporation of America, LabCorp); PubMed 26188157 (cited by Athena Diagnostics and Women's Health and Genetics/Laboratory Corporation of America, LabCorp); PubMed 22389666 (cited by Athena Diagnostics and Women's Health and Genetics/Laboratory Corporation of America, LabCorp); PubMed 17426645 (cited by Athena Diagnostics and Women's Health and Genetics/Laboratory Corporation of America, LabCorp); PubMed 16380907 (cited by Athena Diagnostics and Women's Health and Genetics/Laboratory Corporation of America, LabCorp); PubMed 15967879 (cited by Women's Health and Genetics/Laboratory Corporation of America, LabCorp).